The following is an entry in ClinVar:

NM_001034853.2(RPGR):c.2763GGA[2] (p.Glu924del)

Gene: RPGR (retinitis pigmentosa GTPase regulator; minus strand). Cytogenetic location: Xp11.4.
Variant type: Microsatellite.
Coding change: c.2763GGA[2] on transcript NM_001034853.2 (MANE Select); two copies in a row of the 3-base unit GGA starting at c.2763; the reference has three copies in a row; one copy, 3 bases deleted.
Protein change: p.Glu924del; deletes glutamic acid 924.
Molecular consequence: inframe deletion. On other transcripts: intron variant (8).
Genome position (GRCh38, 1-based): chrX:38,286,228-38,286,230, TCC deleted on the plus strand (GGA on the coding strand, the reverse complement: RPGR is on the minus strand); deleting any 3 consecutive bases within chrX:38,286,228-38,286,236 gives the same sequence; the position shown is the placement nearest the transcript's 3' end. VCF-style (leftmost placement, unchanged base first): chrX-38286227-TTCC-T. GRCh37 (hg19) VCF-style: chrX-38145480-TTCC-T.
Other names: c.1569+4723GGA[2] (NM_001367249.1, NM_001367250.1); c.1902+858GGA[2] (NM_001367245.1); c.1386+4723GGA[2] (NM_001367251.1); c.1719+858GGA[2] (NM_001367246.1); c.1572+4723GGA[2] (NM_001367247.1); c.1905+858GGA[2] (NM_000328.3); c.1602+4723GGA[2] (NM_001367248.1); short protein forms E924del.
Identifiers: ClinVar variation 871436 (VCV000871436.46), dbSNP rs2067156760, ClinGen allele CA1139667416.
Genomic context (GRCh38, chrX:38,286,227, plus strand): 5'-TCCATCCTCCCCTTCCCCTTCTCCTTCCTCCTCTTCCCCCTCCCCTTCTCCTTCCTCTCC[TTCC>T]TCCTCCCCTTTCCCTTCTCCTTCCTCCTCTTCTCCCTCCCCTTCTCCTTCCTCTTCTCCC-3'

ClinVar aggregate classification (germline): Uncertain significance. Review status: criteria provided, multiple submitters, no conflicts (2 of 4 stars). 2 submissions from 2 submitters: Uncertain significance (2). Last evaluated 2024-03-26.

Conditions:
Primary ciliary dyskinesia. Also called: Ciliary dyskinesia. Identifiers: Orphanet 244, MedGen C0008780, MONDO:0016575, HP:0012265.

Submissions (2):

Labcorp Genetics (formerly Invitae), Labcorp
Classification: Uncertain significance for Primary ciliary dyskinesia. Last evaluated: 2024-03-26. Review status: criteria provided, single submitter. Criteria: Invitae Variant Classification Sherloc (09022015). Collection method: clinical testing. Allele origin: germline.
Comment: This variant, c.2769_2771del, results in the deletion of 1 amino acid(s) of the RPGR (ORF15) protein (p.Glu924del), but otherwise preserves the integrity of the reading frame. This variant is not present in population databases (gnomAD no frequency). This variant has not been reported in the literature in individuals affected with RPGR (ORF15)-related conditions. Experimental studies and prediction algorithms are not available or were not evaluated, and the functional significance of this variant is currently unknown. In summary, the available evidence is currently insufficient to determine the role of this variant in disease. Therefore, it has been classified as a Variant of Uncertain Significance.

CeGaT Center for Human Genetics Tuebingen
Classification: Uncertain significance. Last evaluated: 2019-08-01. Review status: criteria provided, single submitter. Criteria: CeGaT Center For Human Genetics Tuebingen Variant Classification Criteria Version 2. Collection method: clinical testing. Allele origin: germline. Affected: yes. Observed: 1 variant allele.